The following is an entry in ClinVar:

ClinVar aggregate classification (germline): Uncertain significance (1 of 4 stars; one submission).

Submission:

GeneDx
Classification: Uncertain significance. Last evaluated: 2025-12-19. Review status: criteria provided, single submitter. Criteria: GeneDx Variant Classification Process June 2021. Collection method: clinical testing. Allele origin: germline.
Comment: Not observed at significant frequency in large population cohorts (gnomAD); Missense variants in this gene are a common cause of disease and they are underrepresented in the general population; In silico analysis supports that this missense variant has a deleterious effect on protein structure/function; Has not been previously published as pathogenic or benign to our knowledge; This variant is associated with the following publications: (PMID: 20829227)

NM_006086.4(TUBB3):c.1193A>G (p.Tyr398Cys)

Gene: TUBB3 (tubulin beta 3 class III; plus strand). Cytogenetic location: 16q24.3.
Variant type: single nucleotide variant.
Coding change: c.1193A>G on transcript NM_006086.4 (MANE Select); coding-DNA position 1193, A replaced by G.
Protein change: p.Tyr398Cys; replaces tyrosine 398 with cysteine.
Molecular consequence: missense variant.
Genome position (GRCh38, 1-based): chr16:89,935,644, A>G. VCF-style: chr16-89935644-A-G. GRCh37 (hg19) VCF-style: chr16-90002052-A-G.
Other names: c.977A>G, p.Tyr326Cys (NM_001197181.2); short protein forms Y326C, Y398C.
Identifiers: ClinVar variation 3900146 (VCV003900146.2).